The following is an entry in ClinVar:

NM_001457.4(FLNB):c.5554+1G>A

Gene: FLNB (filamin B; plus strand). Cytogenetic location: 3p14.3.
Variant type: single nucleotide variant.
Coding change: c.5554+1G>A on transcript NM_001457.4 (MANE Select); the canonical splice donor site of the intron after coding-DNA position 5554, G replaced by A.
Molecular consequence: splice donor variant.
Genome position (GRCh38, 1-based): chr3:58,146,050, G>A. VCF-style: chr3-58146050-G-A. GRCh37 (hg19) VCF-style: chr3-58131777-G-A.
Other names: c.5647+1G>A (NM_001164317.2); c.5521+1G>A (NM_001164318.2); c.5482+1G>A (NM_001164319.2).
Identifiers: ClinVar variation 2632165 (VCV002632165.2), dbSNP rs2471197349, ClinGen allele CA353354828.

ClinVar aggregate classification (germline): Likely pathogenic (1 of 4 stars; one submission).

Conditions:
FLNB-related disorder. Also called: FLNB-related condition; FLNB-related disorders. Identifiers: MedGen CN381095.

Submission:

PreventionGenetics, part of Exact Sciences
Classification: Likely pathogenic for FLNB-related condition. Last evaluated: 2025-09-24. Review status: criteria provided, single submitter. Criteria: ACMG Guidelines, 2015. Collection method: clinical testing. Allele origin: germline.
Comment: The FLNB c.5554+1G>A variant is predicted to disrupt the GT donor site and interfere with normal splicing. To our knowledge, this variant has not been reported in the literature or in a large population database (gnomAD), indicating this variant is rare. Variants that disrupt the consensus splice donor site in FLNB are expected to be pathogenic. This variant is interpreted as likely pathogenic.